The following is an entry in ClinVar:

ClinVar aggregate classification (germline): Conflicting classifications of pathogenicity. Review status: criteria provided, conflicting classifications (1 of 4 stars). 2 submissions from 2 submitters: Uncertain significance (1); Likely benign (1). Last evaluated 2024-11-17.

Conditions:
Frontotemporal dementia and/or amyotrophic lateral sclerosis 4. Also called: FTDALS4. Identifiers: Orphanet 275872, MedGen C4225325, MONDO:0014641, OMIM 616439.

Allele frequency attached by ClinVar (database versions not stated): gnomAD exomes below 0.00001 and 0.00001; ExAC 0.00001; gnomAD 0.00001; TOPMed 0.00001.
gnomAD v4.1: 6 of 1,613,884 alleles (0.00037%); highest among the groups gnomAD compares: Admixed American, 0.005%; no homozygotes.

Submissions (2):

Blueprint Genetics
Classification: Likely benign. Last evaluated: 2024-11-17. Review status: criteria provided, single submitter. Criteria: ACMG Guidelines, 2015. Collection method: clinical testing. Allele origin: germline.

Labcorp Genetics (formerly Invitae), Labcorp
Classification: Uncertain significance for Frontotemporal dementia and/or amyotrophic lateral sclerosis 4. Last evaluated: 2022-09-07. Review status: criteria provided, single submitter. Criteria: Invitae Variant Classification Sherloc (09022015). Collection method: clinical testing. Allele origin: germline.
Comment: In summary, the available evidence is currently insufficient to determine the role of this variant in disease. Therefore, it has been classified as a Variant of Uncertain Significance. Algorithms developed to predict the effect of sequence changes on RNA splicing suggest that this variant may disrupt the consensus splice site. ClinVar contains an entry for this variant (Variation ID: 1418168). This variant has not been reported in the literature in individuals affected with TBK1-related conditions. This variant is present in population databases (rs769584803, gnomAD 0.009%). This sequence change affects codon 17 of the TBK1 mRNA. It is a 'silent' change, meaning that it does not change the encoded amino acid sequence of the TBK1 protein.

NM_013254.4(TBK1):c.51A>G (p.Gln17=)

Gene: TBK1 (TANK binding kinase 1; plus strand). Cytogenetic location: 12q14.2.
Variant type: single nucleotide variant.
Coding change: c.51A>G on transcript NM_013254.4 (MANE Select); coding-DNA position 51, A replaced by G.
Protein change: p.Gln17=; no amino-acid change (glutamine 17 retained).
Molecular consequence: synonymous variant.
Genome position (GRCh38, 1-based): chr12:64,455,921, A>G. VCF-style: chr12-64455921-A-G. GRCh37 (hg19) VCF-style: chr12-64849701-A-G.
Identifiers: ClinVar variation 1418168 (VCV001418168.7), dbSNP rs769584803, ClinGen allele CA6668704.